The following is an entry in ClinVar:

ClinVar aggregate classification (germline): Benign/Likely benign. Review status: criteria provided, multiple submitters, no conflicts (2 of 4 stars). 4 submissions from 4 submitters: Benign (1); Likely benign (3). Last evaluated 2026-01-28.

Conditions:
Nemaline myopathy 2 (NEM2). Also called: Nemaline myopathy 2, autosomal recessive. Identifiers: MedGen C1850569, MONDO:0009725, OMIM 256030.

Allele frequency attached by ClinVar (database versions not stated): gnomAD exomes 0.00018 and 0.00053; ExAC 0.00063; gnomAD 0.00184 and 0.00197; 1000 Genomes Project 0.00220; TOPMed 0.00223; ESP Exome Variant Server 0.00230; 1000 Genomes Project 30x 0.00297.
gnomAD v4.1: 553 of 1,613,398 alleles (0.034%); highest among the groups gnomAD compares: African/African-American, 0.63%; 3 homozygotes.

Submissions (4):

Labcorp Genetics (formerly Invitae), Labcorp
Classification: Benign for Nemaline myopathy 2. Last evaluated: 2026-01-28. Review status: criteria provided, single submitter. Criteria: Invitae Variant Classification Sherloc (09022015). Collection method: clinical testing. Allele origin: germline.

Blueprint Genetics
Classification: Likely benign. Last evaluated: 2024-03-01. Review status: criteria provided, single submitter. Criteria: ACMG Guidelines, 2015. Collection method: clinical testing. Allele origin: germline.

Illumina Laboratory Services, Illumina
Classification: Likely benign for Nemaline myopathy 2. Last evaluated: 2018-01-13. Review status: criteria provided, single submitter. Criteria: ICSL Variant Classification Criteria 13 December 2019. Collection method: clinical testing. Allele origin: germline.
Comment: This variant was observed in the ICSL laboratory as part of a predisposition screen in an ostensibly healthy population. It had not been previously curated by ICSL or reported in the Human Gene Mutation Database (HGMD: prior to June 1st, 2018), and was therefore a candidate for classification through an automated scoring system. Utilizing variant allele frequency, disease prevalence and penetrance estimates, and inheritance mode, an automated score was calculated to assess if this variant is too frequent to cause the disease. Based on the score and internal cut-off values, a variant classified as likely benign is not then subjected to further curation. The score for this variant resulted in a classification of likely benign for this disease.

GeneDx
Classification: Likely benign. Last evaluated: 2016-07-08. Review status: criteria provided, single submitter. Criteria: GeneDx Variant Classification (06012015). Collection method: clinical testing. Allele origin: germline. Affected: yes.
Comment: This variant is considered likely benign or benign based on one or more of the following criteria: it is a conservative change, it occurs at a poorly conserved position in the protein, it is predicted to be benign by multiple in silico algorithms, and/or has population frequency not consistent with disease.

NM_001164508.2(NEB):c.22050+13C>T

Genes: NEB (nebulin; minus strand), RIF1 (replication timing regulatory factor 1; plus strand). Cytogenetic location: 2q23.3.
Variant type: single nucleotide variant.
Coding change: c.22050+13C>T on transcript NM_001164508.2 (MANE Select); 13 bases into the intron after coding-DNA position 22050, C replaced by T.
Molecular consequence: intron variant.
Genome position (GRCh38, 1-based): chr2:151,526,145, G>A on the plus strand (C>T on the coding strand, the complement: NEB is on the minus strand). VCF-style: chr2-151526145-G-A. GRCh37 (hg19) VCF-style: chr2-152382659-G-A.
Other names: c.16947+13C>T (NM_004543.5); c.22050+13C>T (NM_001164507.2); c.22155+13C>T (NM_001271208.2).
Identifiers: ClinVar variation 331422 (VCV000331422.13), dbSNP rs113403461, ClinGen allele CA1906799.
Genomic context (GRCh38, chr2:151,526,145, plus strand): 5'-AGAGCTCATTAAGGCATCTGCCTGGGGCGTTCTCCCAAGAGGGAAGCAGAACTCATGGGC[G>A]GCTGGGGGTTACCTCAGACACCAGGTTGCTGACAGTCTTCGCCAGCAGGATCTGAGGCGT-3'